The following is an entry in ClinVar:

NM_000142.5(FGFR3):c.667C>T (p.Arg223Cys)

Gene: FGFR3 (fibroblast growth factor receptor 3; plus strand). Cytogenetic location: 4p16.3.
Variant type: single nucleotide variant.
Coding change: c.667C>T on transcript NM_000142.5 (MANE Select); coding-DNA position 667, C replaced by T.
Protein change: p.Arg223Cys; replaces arginine 223 with cysteine.
Molecular consequence: missense variant. On other transcripts: non-coding transcript variant (1).
Genome position (GRCh38, 1-based): chr4:1,801,671, C>T. VCF-style: chr4-1801671-C-T. GRCh37 (hg19) VCF-style: chr4-1803398-C-T.
Other names: c.667C>T, p.Arg223Cys (NM_001163213.2, NM_001354809.2, NM_001354810.2 and 1 more transcripts); short protein forms R223C.
Identifiers: ClinVar variation 838879 (VCV000838879.30), dbSNP rs1721198491, ClinGen allele CA355975545.

ClinVar aggregate classification (germline): Conflicting classifications of pathogenicity. Review status: criteria provided, conflicting classifications (1 of 4 stars). 7 submissions from 7 submitters: Pathogenic (3); Likely pathogenic (3); Uncertain significance (1). Last evaluated 2026-06-23.

Conditions:
FGFR3-related disorder. Also called: FGFR3-related disorders.
Muenke syndrome (MNKES). Also called: MUENKE NONSYNDROMIC CORONAL CRANIOSYNOSTOSIS. Identifiers: Orphanet 53271, MedGen C1864436, MONDO:0011274, OMIM 602849.
Inborn genetic diseases. Identifiers: MedGen C0950123, MeSH D030342.
FGFR3-related chondrodysplasia. Identifiers: Orphanet 93420, MedGen C5681604, MONDO:0019685.

Allele frequency attached by ClinVar (database versions not stated): gnomAD exomes below 0.00001.
gnomAD v4.1: 3 of 1,611,366 alleles (0.00019%); highest among the groups gnomAD compares: Non-Finnish European, 0.00025%; no homozygotes.

Submissions (7):

Genomenon, Inc
Classification: Uncertain significance for FGFR3-related chondrodysplasia. Last evaluated: 2026-06-23. Review status: criteria provided, single submitter. Criteria: Genomenon Sequence Variant Interpretation Standards - Updated. Collection method: curation. Allele origin: germline. Affected: yes.
Comment: FGFR3 p.Arg223Cys (c.667C>T) is a missense variant that changes the amino acid at codon 223 from Arginine to Cysteine. This variant has been observed in at least one proband with an FGFR3-related disorder (PMID:36373817;31976144). The variant was found to segregate with disease in at least one affected family (PMID:36373817;31976144). It is absent or not present at a significant frequency in gnomAD. In conclusion, we classify FGFR3 p.Arg223Cys (c.667C>T) as a variant of uncertain significance.

Labcorp Genetics (formerly Invitae), Labcorp
Classification: Pathogenic. Last evaluated: 2025-06-22. Review status: criteria provided, single submitter. Criteria: Invitae Variant Classification Sherloc (09022015). Collection method: clinical testing. Allele origin: germline.
Comment: This sequence change replaces arginine, which is basic and polar, with cysteine, which is neutral and slightly polar, at codon 223 of the FGFR3 protein (p.Arg223Cys). This variant is not present in population databases (gnomAD no frequency). This missense change has been observed in individual(s) with clinical features of FGFR3-related conditions (PMID: 31976144; internal data). In at least one individual the variant was observed to be de novo. ClinVar contains an entry for this variant (Variation ID: 838879). Invitae Evidence Modeling incorporating data from in vitro experimental studies (internal data) indicates that this missense variant is expected to disrupt FGFR3 function with a positive predictive value of 95%. For these reasons, this variant has been classified as Pathogenic.

CeGaT Center for Human Genetics Tuebingen
Classification: Likely pathogenic. Last evaluated: 2024-12-01. Review status: criteria provided, single submitter. Criteria: CeGaT Center For Human Genetics Tuebingen Variant Classification Criteria Version 2. Collection method: clinical testing. Allele origin: germline. Affected: yes. Observed: 1 variant allele.
Comment: FGFR3: PM2, PS4:Moderate, PP2, PP3

GeneDx
Classification: Pathogenic. Last evaluated: 2024-09-06. Review status: criteria provided, single submitter. Criteria: GeneDx Variant Classification Process June 2021. Collection method: clinical testing. Allele origin: germline. Affected: yes.
Comment: In silico analysis, which includes protein predictors and evolutionary conservation, supports a deleterious effect; Not observed at significant frequency in large population cohorts (gnomAD); This variant is associated with the following publications: (PMID: 36373817, 31976144)

Ambry Genetics
Classification: Likely pathogenic for Inborn genetic diseases. Last evaluated: 2024-05-29. Review status: criteria provided, single submitter. Criteria: Ambry Variant Classification Scheme 2023. Collection method: clinical testing. Allele origin: germline.
Comment: The c.667C>T (p.R223C) alteration is located in exon 6 (coding exon 5) of the FGFR3 gene. This alteration results from a C to T substitution at nucleotide position 667, causing the arginine (R) at amino acid position 223 to be replaced by a cysteine (C). for FGFR3-related skeletal disorders; however, its clinical significance for CATSHL syndrome is uncertain. This variant was not reported in population-based cohorts in the Genome Aggregation Database (gnomAD). This variant has been determined to be the result of a de novo mutation or an inherited variant in multiple individuals with clinical features consistent with hypochondroplasia (Ramos Mej&iacute;a, 2020; Andrade, 2022). This amino acid position is well conserved in available vertebrate species. The in silico prediction for this alteration is inconclusive. Based on the available evidence, this alteration is classified as likely pathogenic.

Blueprint Genetics
Classification: Pathogenic for FGFR3-related disorders. Last evaluated: 2022-10-07. Review status: criteria provided, single submitter. Criteria: ACMG Guidelines, 2015. Collection method: clinical testing. Allele origin: germline. Affected: yes. Observed: 4 variant alleles.

3billion
Classification: Likely pathogenic for Muenke syndrome. Last evaluated: 2022-09-01. Review status: criteria provided, single submitter. Criteria: ACMG Guidelines, 2015. Collection method: clinical testing. Allele origin: germline. Affected: yes. Observed: 1 heterozygote.
Comment: The variant is not observed in the gnomAD v2.1.1 dataset. Missense changes are a common disease-causing mechanism. In silico tool predictions suggest damaging effect of the variant on gene or gene product (REVEL: 0.64; 3Cnet: 0.94). Same nucleotide change resulting in same amino acid change has been previously reported as pathogenic/likely pathogenic with strong evidence (ClinVar ID: VCV000838879). Therefore, this variant is classified as Likely pathogenic according to the recommendation of ACMG/AMP guideline.

Literature cited by the submitters: PubMed 36373817 (cited by Genomenon, Inc and Ambry Genetics); PubMed 31976144 (cited by 3 submitters); PubMed 39472908 (cited by Genomenon, Inc).